The following is an entry in ClinVar:

NM_019888.3(MC3R):c.90C>A (p.Ser30Arg)

Gene: MC3R (melanocortin 3 receptor; plus strand). Cytogenetic location: 20q13.2.
Variant type: single nucleotide variant.
Coding change: c.90C>A on transcript NM_019888.3 (MANE Select); coding-DNA position 90, C replaced by A.
Protein change: p.Ser30Arg; replaces serine 30 with arginine.
Molecular consequence: missense variant.
Genome position (GRCh38, 1-based): chr20:56,248,933, C>A. VCF-style: chr20-56248933-C-A. GRCh37 (hg19) VCF-style: chr20-54823989-C-A.
Other names: short protein forms S30R.
Identifiers: ClinVar variation 2994865 (VCV002994865.3), dbSNP rs1053053406, ClinGen allele CA316729577.
Genomic context (GRCh38, chr20:56,248,933, plus strand): 5'-TCAGCCAACACTGCCTAATGGCTCGGAGCACCTCCAAGCCCCTTTCTTCAGCAACCAGAG[C>A]AGCAGCGCCTTCTGTGAGCAGGTCTTCATCAAGCCCGAGGTTTTCCTGTCTCTGGGCATC-3'
Protein context (NP_063941.3, residues 20-40): HLQAPFFSNQ[Ser30Arg]SSAFCEQVFI

ClinVar aggregate classification (germline): Uncertain significance (1 of 4 stars; one submission).

Allele frequency attached by ClinVar (database versions not stated): gnomAD exomes below 0.00001; gnomAD 0.00001; TOPMed 0.00001.

Submission:

Labcorp Genetics (formerly Invitae), Labcorp
Classification: Uncertain significance. Last evaluated: 2024-10-15. Review status: criteria provided, single submitter. Criteria: Invitae Variant Classification Sherloc (09022015). Collection method: clinical testing. Allele origin: germline.
Comment: This sequence change replaces serine, which is neutral and polar, with arginine, which is basic and polar, at codon 30 of the MC3R protein (p.Ser30Arg). This variant is present in population databases (no rsID available, gnomAD 0.007%). This variant has not been reported in the literature in individuals affected with MC3R-related conditions. An algorithm developed to predict the effect of missense changes on protein structure and function (PolyPhen-2) suggests that this variant is likely to be disruptive. In summary, the available evidence is currently insufficient to determine the role of this variant in disease. Therefore, it has been classified as a Variant of Uncertain Significance.